The following is an entry in ClinVar:

ClinVar aggregate classification (germline): Uncertain significance (1 of 4 stars; one submission).

Submission:

GeneDx
Classification: Uncertain significance. Last evaluated: 2026-03-31. Review status: criteria provided, single submitter. Criteria: GeneDx Variant Classification Process June 2021. Collection method: clinical testing. Allele origin: germline.
Comment: Not observed at significant frequency in large population cohorts (gnomAD); In silico analysis supports that this missense variant has a deleterious effect on protein structure/function; Has not been previously published as pathogenic or benign to our knowledge.

NM_000516.7(GNAS):c.59G>C (p.Arg20Pro)

Gene: GNAS (GNAS complex locus; plus strand). Cytogenetic location: 20q13.32.
Variant type: single nucleotide variant.
Coding change: c.59G>C on transcript NM_000516.7 (MANE Select); coding-DNA position 59, G replaced by C.
Protein change: p.Arg20Pro; replaces arginine 20 with proline.
Molecular consequence: missense variant. On other transcripts: intron variant (11).
Genome position (GRCh38, 1-based): chr20:58,891,785, G>C. VCF-style: chr20-58891785-G-C. GRCh37 (hg19) VCF-style: chr20-57466840-G-C.
Other names: c.59G>C, p.Arg20Pro (NM_001077488.5, NM_001077489.4, NM_001309842.2 and 1 more transcripts); c.*43-3827G>C (NM_016592.5); c.44-3827G>C (NM_001410912.1); c.-38-3827G>C (NM_001309861.2); c.*1-3827G>C (NM_001077490.3); c.2069-3827G>C (NM_080425.4, NM_001410913.1); c.*159-3827G>C (NM_001309883.1); c.-39+2432G>C (NM_001438273.1, NM_001309840.2); and 1 more; short protein forms R20P.
Identifiers: ClinVar variation 5017861 (VCV005017861.1).